The following is an entry in ClinVar:

NM_018196.4(TMLHE):c.929dup (p.Asn310fs)

Gene: TMLHE (trimethyllysine hydroxylase, epsilon; minus strand). Cytogenetic location: Xq28.
Variant type: Duplication.
Coding change: c.929dup on transcript NM_018196.4 (MANE Select); coding-DNA position 929, one base duplicated (A; older notation c.929dupA).
Protein change: p.Asn310fs; shifts the reading frame from asparagine 310.
Molecular consequence: frameshift variant.
Genome position (GRCh38, 1-based): chrX:155,506,964, T duplicated on the plus strand (A on the coding strand, the reverse complement: TMLHE is on the minus strand); the first of 2 consecutive T bases (chrX:155,506,964-155,506,965); duplicating either gives the same sequence. VCF-style (leftmost placement, unchanged base first): chrX-155506963-G-GT. GRCh37 (hg19) VCF-style: chrX-154736624-G-GT.
Other names: c.929dup, p.Asn310fs (NM_001184797.2); short protein forms N310fs.
Identifiers: ClinVar variation 4883891 (VCV004883891.2).

ClinVar aggregate classification (germline): Uncertain significance (1 of 4 stars; one submission).

Conditions:
Epsilon-trimethyllysine hydroxylase deficiency. Also called: Autism, susceptibility to, X-linked 6. Identifiers: MedGen C3550875, MONDO:0010469, OMIM 300872.

Submission:

Dasa
Classification: Uncertain significance for Epsilon-trimethyllysine hydroxylase deficiency. Last evaluated: 2025-11-21. Review status: criteria provided, single submitter. Criteria: DASA Assertion Criteria. Collection method: clinical testing. Allele origin: germline.
Comment: NM_018196.4(TMLHE):c.929dup (p.Asn310Lysfs*17) is a frameshift variant in TMLHE predicted to alter the reading frame and introduce a premature termination codon. This variant is rare in population databases. The currently available literature and clinical evidence are not sufficient to establish a definitive association between this variant and the reported condition. Therefore, this variant is classified as a variant of uncertain significance.